The following is an entry in ClinVar:

ClinVar aggregate classification (germline): Likely benign (1 of 4 stars; one submission).

Submission:

CeGaT Center for Human Genetics Tuebingen
Classification: Likely benign. Last evaluated: 2022-12-01. Review status: criteria provided, single submitter. Criteria: CeGaT Center For Human Genetics Tuebingen Variant Classification Criteria Version 2. Collection method: clinical testing. Allele origin: germline. Affected: yes. Observed: 1 variant allele.
Comment: NOTCH1: PM2:Supporting, BP4, BP7

NM_017617.5(NOTCH1):c.4821G>A (p.Lys1607=)

Gene: NOTCH1 (notch receptor 1; minus strand). Cytogenetic location: 9q34.3.
Variant type: single nucleotide variant.
Coding change: c.4821G>A on transcript NM_017617.5 (MANE Select); coding-DNA position 4821, G replaced by A.
Protein change: p.Lys1607=; no amino-acid change (lysine 1607 retained).
Molecular consequence: synonymous variant.
Genome position (GRCh38, 1-based): chr9:136,504,870, C>T on the plus strand (G>A on the coding strand, the complement: NOTCH1 is on the minus strand). VCF-style: chr9-136504870-C-T. GRCh37 (hg19) VCF-style: chr9-139399322-C-T.
Identifiers: ClinVar variation 2659747 (VCV002659747.24), dbSNP rs2133336576, ClinGen allele CA467832722.